The following is an entry in ClinVar:

NM_018444.4(PDP1):c.38G>A (p.Arg13His)

Gene: PDP1 (pyruvate dehydrogenase phosphatase catalytic subunit 1; plus strand). Cytogenetic location: 8q22.1.
Variant type: single nucleotide variant.
Coding change: c.38G>A on transcript NM_018444.4 (MANE Select); coding-DNA position 38, G replaced by A.
Protein change: p.Arg13His; replaces arginine 13 with histidine.
Molecular consequence: missense variant.
Genome position (GRCh38, 1-based): chr8:93,922,097, G>A. VCF-style: chr8-93922097-G-A. GRCh37 (hg19) VCF-style: chr8-94934325-G-A.
Other names: c.113G>A, p.Arg38His (NM_001161779.2, NM_001161780.2); c.38G>A, p.Arg13His (NM_001161781.2); short protein forms R13H, R38H.
Identifiers: ClinVar variation 3610882 (VCV003610882.2).

ClinVar aggregate classification (germline): Uncertain significance (1 of 4 stars; one submission).

gnomAD v4.1: 4 of 1,613,484 alleles (0.00025%); highest among the groups gnomAD compares: East Asian, 0.0022%; no homozygotes.

Submission:

Labcorp Genetics (formerly Invitae), Labcorp
Classification: Uncertain significance. Last evaluated: 2025-12-08. Review status: criteria provided, single submitter. Criteria: Invitae Variant Classification Sherloc (09022015). Collection method: clinical testing. Allele origin: germline.
Comment: This sequence change replaces arginine, which is basic and polar, with histidine, which is basic and polar, at codon 13 of the PDP1 protein (p.Arg13His). This variant is present in population databases (rs758052799, gnomAD 0.0009%). This variant has not been reported in the literature in individuals affected with PDP1-related conditions. ClinVar contains an entry for this variant (Variation ID: 3610882). An algorithm developed to predict the effect of missense changes on protein structure and function (PolyPhen-2) suggests that this variant is likely to be tolerated. In summary, the available evidence is currently insufficient to determine the role of this variant in disease. Therefore, it has been classified as a Variant of Uncertain Significance.